The following is an entry in ClinVar:

ClinVar aggregate classification (germline): Uncertain significance. Review status: criteria provided, multiple submitters, no conflicts (2 of 4 stars). 2 submissions from 2 submitters: Uncertain significance (2). Last evaluated 2026-08-06.

Allele frequency attached by ClinVar (database versions not stated): gnomAD exomes 0.00001.
gnomAD v4.1: 8 of 1,614,056 alleles (0.0005%); highest among the groups gnomAD compares: Admixed American, 0.0017%; no homozygotes.

Submissions (2):

OLLIN Analises Genomicas, OLLIN
Classification: Uncertain significance. Last evaluated: 2026-08-06. Review status: criteria provided, single submitter. Criteria: ACMG Guidelines 2015 PMID 25741868. Collection method: clinical testing. Allele origin: germline.
Comment: This missense variant, located in exon 12 (of 27), has been reported in ClinVar (accession VCV003080699.1) and in gnomAD with an allele frequency of 0.0005%. However, to our knowledge, it has not been reported in the scientific literature. In silico analysis predicts that this variant has a tolerated effect. This gene is constrained for missense variation. According to the currently available evidence, this variant has been classified as uncertain significance (PP2, BP4_M).

Ambry Genetics
Classification: Uncertain significance. Last evaluated: 2024-03-07. Review status: criteria provided, single submitter. Criteria: Ambry Variant Classification Scheme 2023. Collection method: clinical testing. Allele origin: germline.

NM_001923.5(DDB1):c.1310T>C (p.Met437Thr)

Gene: DDB1 (damage specific DNA binding protein 1; minus strand). Cytogenetic location: 11q12.2.
Variant type: single nucleotide variant.
Coding change: c.1310T>C on transcript NM_001923.5 (MANE Select); coding-DNA position 1310, T replaced by C.
Protein change: p.Met437Thr; replaces methionine 437 with threonine.
Molecular consequence: missense variant.
Genome position (GRCh38, 1-based): chr11:61,316,385, A>G on the plus strand (T>C on the coding strand, the complement: DDB1 is on the minus strand). VCF-style: chr11-61316385-A-G. GRCh37 (hg19) VCF-style: chr11-61083857-A-G.
Other names: short protein forms M437T.
Identifiers: ClinVar variation 3080699 (VCV003080699.2), dbSNP rs1218610737, ClinGen allele CA380663757.